The following is an entry in ClinVar:

NM_207391.3(RGS9BP):c.613G>A (p.Gly205Ser)

Gene: RGS9BP (regulator of G protein signaling 9 binding protein; plus strand). Cytogenetic location: 19q13.11.
Variant type: single nucleotide variant.
Coding change: c.613G>A on transcript NM_207391.3 (MANE Select); coding-DNA position 613, G replaced by A.
Protein change: p.Gly205Ser; replaces glycine 205 with serine.
Molecular consequence: missense variant.
Genome position (GRCh38, 1-based): chr19:32,676,876, G>A. VCF-style: chr19-32676876-G-A. GRCh37 (hg19) VCF-style: chr19-33167782-G-A.
Other names: short protein forms G205S.
Identifiers: ClinVar variation 1450276 (VCV001450276.6), dbSNP rs1390090022, ClinGen allele CA405187398.

ClinVar aggregate classification (germline): Uncertain significance (1 of 4 stars; one submission).

Submission:

Labcorp Genetics (formerly Invitae), Labcorp
Classification: Uncertain significance. Last evaluated: 2021-07-28. Review status: criteria provided, single submitter. Criteria: Invitae Variant Classification Sherloc (09022015). Collection method: clinical testing. Allele origin: germline.
Comment: Algorithms developed to predict the effect of missense changes on protein structure and function output the following: SIFT: "Tolerated"; PolyPhen-2: "Benign"; Align-GVGD: "Class C0". The serine amino acid residue is found in multiple mammalian species, which suggests that this missense change does not adversely affect protein function. In summary, the available evidence is currently insufficient to determine the role of this variant in disease. Therefore, it has been classified as a Variant of Uncertain Significance. This sequence change replaces glycine with serine at codon 205 of the RGS9BP protein (p.Gly205Ser). The glycine residue is weakly conserved and there is a small physicochemical difference between glycine and serine. This variant is not present in population databases (ExAC no frequency). This variant has not been reported in the literature in individuals affected with RGS9BP-related conditions.